The following is an entry in ClinVar:

ClinVar aggregate classification (germline): Likely pathogenic (3 of 4 stars; one submission).

Conditions:
Mucopolysaccharidosis type 1. Also called: IDUA deficiency; MPS I; Mucopolysaccharidosis Type I. Identifiers: Orphanet 579, MedGen C0023786, MONDO:0001586.

Submission:

ClinGen Lysosomal Storage Disorder Variant Curation Expert Panel
Classification: Likely pathogenic for Mucopolysaccharidosis type 1. Last evaluated: 2024-12-05. Review status: reviewed by expert panel. Criteria: ClinGen LSD ACMG Specifications IDUA V1.0.0. Collection method: curation. Allele origin: germline. Inheritance: Autosomal recessive inheritance.
Comment: The NM_000203.5:c.1962A>T in IDUA is a stop-loss variant, predicted to alter the stop codon (p.Ter654Cys), resulting in an increase in the length of the protein (PM1). IDUA activity was deficient. However, because the patient is also homozygous for a benign "pseudodeficiency" variant (c.1225G>C, p.Gly409Arg), there is insufficient data to apply PP4 (PMID: 8328452). When expressed in COS-1 cells, the p.Ter654Cys variant resulted in 2% normal activity (PMID: 8328452) (PS3_Supporting). Three other variants in the stop codon of IDUA have been reported, one of which, c.1960T>C (p.Ter654Arg) (Bertola et al, PMID: 21394825; Ngiwsara et al, PMID: 29282708), has been classified as likely pathogenic by the ClinGen LD VCEP (PM5_Supporting). The other variants are c.1960T>G (p.Ter654Gly) (Tieu et al, 1995, PMID: 7550232), and c.1960T>A (p.Ter654Arg) (Thomas et al, PMID: 33301762). There is a ClinVar entry for the variant (Variation ID: 242721). In summary, this variant meets the criteria to be classified as likely pathogenic for mucopolysaccharidosis type 1. IDUA-specific ACMG/AMP criteria applied, as specified by the ClinGen Lysosomal Diseases Variant Curation Expert Panel (Specifications 1.0.0): PM4, PS3_Supporting, PM2_Supporting, PM3_Supporting, PM5_Supporting. (Classification approved by the ClinGen Lysosomal Diseases Variant Curation Expert Panel on December 5, 2024)

Literature cited by the submitters: PubMed 8328452.

NM_000203.5(IDUA):c.1962A>T (p.Ter654Cys)

Gene: IDUA (alpha-L-iduronidase; plus strand). Cytogenetic location: 4p16.3.
Variant type: single nucleotide variant.
Coding change: c.1962A>T on transcript NM_000203.5 (MANE Select); coding-DNA position 1962, A replaced by T.
Protein change: p.Ter654Cys.
Molecular consequence: stop lost. On other transcripts: non-coding transcript variant (1).
Genome position (GRCh38, 1-based): chr4:1,004,393, A>T. VCF-style: chr4-1004393-A-T. GRCh37 (hg19) VCF-style: chr4-998181-A-T.
Other names: *654C; *522C; NM_000203.5(IDUA):c.1962A>T; c.1566A>T, p.Ter522Cys (NM_001363576.1).
Identifiers: ClinVar variation 242721 (VCV000242721.2), dbSNP rs199794428.